The following is an entry in ClinVar:

NM_001256007.3(PNPLA8):c.892G>A (p.Val298Ile)

Gene: PNPLA8 (patatin like domain 8, phospholipase A2; minus strand). Cytogenetic location: 7q31.1.
Variant type: single nucleotide variant.
Coding change: c.892G>A on transcript NM_001256007.3 (MANE Select); coding-DNA position 892, G replaced by A.
Protein change: p.Val298Ile; replaces valine 298 with isoleucine.
Molecular consequence: missense variant.
Genome position (GRCh38, 1-based): chr7:108,514,600, C>T on the plus strand (G>A on the coding strand, the complement: PNPLA8 is on the minus strand). VCF-style: chr7-108514600-C-T. GRCh37 (hg19) VCF-style: chr7-108155044-C-T.
Other names: p.Val298Ile; c.892G>A, p.Val298Ile (NM_001256008.3, NM_001256009.3, NM_015723.5); c.592G>A, p.Val198Ile (NM_001256010.3, NM_001256011.3); c.892G>A (NM_015723.4); short protein forms V298I, V198I.
Identifiers: ClinVar variation 2045130 (VCV002045130.8), dbSNP rs140010463, ClinGen allele CA4439730.
Genomic context (GRCh38, chr7:108,514,600, plus strand): 5'-TTGAATCATACTTTAATTTGGGGACAAGTCCACCAATATAACCACCTACTAAAGCTTGTA[C>T]ACCTTCCGTGGGACGAGAAAGAAAGTTAGCAATACTTTGTTTAGTTGAAACTTGAAGAAC-3'
Protein context (NP_001242936.1, residues 288-308): ANFLSRPTEG[Val298Ile]QALVGGYIGG

ClinVar aggregate classification (germline): Conflicting classifications of pathogenicity. Review status: criteria provided, conflicting classifications (1 of 4 stars). 4 submissions from 4 submitters: Uncertain significance (2); Likely benign (1). 1 of the submissions does not count toward it. Last evaluated 2025-12-08.

Conditions:
PNPLA8-related disorder. Also called: PNPLA8-related condition.
Inborn genetic diseases. Identifiers: MedGen C0950123, MeSH D030342.

Allele frequency attached by ClinVar (database versions not stated): gnomAD exomes 0.00007; ExAC 0.00018; 1000 Genomes Project 0.00040; 1000 Genomes Project 30x 0.00047; gnomAD 0.00064; ESP Exome Variant Server 0.00115.
gnomAD v4.1: 212 of 1,614,052 alleles (0.013%); highest among the groups gnomAD compares: African/African-American, 0.25%; 1 homozygote.

Submissions (4):

Labcorp Genetics (formerly Invitae), Labcorp
Classification: Likely benign. Last evaluated: 2025-12-08. Review status: criteria provided, single submitter. Criteria: Invitae Variant Classification Sherloc (09022015). Collection method: clinical testing. Allele origin: germline.

Mayo Clinic Laboratories, Mayo Clinic
Classification: Uncertain significance. Last evaluated: 2025-06-29. Review status: criteria provided, single submitter. Criteria: ACMG Guidelines, 2015. Collection method: clinical testing. Allele origin: germline. Observed: 1 variant allele.
Comment: BS1

Ambry Genetics
Classification: Uncertain significance for Inborn genetic diseases. Last evaluated: 2021-07-09. Review status: criteria provided, single submitter. Criteria: Ambry Variant Classification Scheme 2023. Collection method: clinical testing. Allele origin: germline.

PreventionGenetics, part of Exact Sciences
Classification: Likely benign for PNPLA8-related condition. Last evaluated: 2022-05-06. Review status: no assertion criteria provided. Collection method: clinical testing. Allele origin: germline. Not counted in ClinVar's aggregate classification.
Comment: This variant is classified as likely benign based on ACMG/AMP sequence variant interpretation guidelines (Richards et al. 2015 PMID: 25741868, with internal and published modifications).